The following is an entry in ClinVar:

ClinVar aggregate classification (germline): Uncertain significance. Review status: criteria provided, multiple submitters, no conflicts (2 of 4 stars). 2 submissions from 2 submitters: Uncertain significance (2). Last evaluated 2025-01-06.

Conditions:
Inborn genetic diseases. Identifiers: MedGen C0950123, MeSH D030342.

Allele frequency attached by ClinVar (database versions not stated): ExAC 0.00001; gnomAD exomes 0.00001; gnomAD 0.00003 and 0.00004; TOPMed 0.00011; 1000 Genomes Project 0.00020; 1000 Genomes Project 30x 0.00031.
gnomAD v4.1: 8 of 1,613,902 alleles (0.0005%); highest among the groups gnomAD compares: Admixed American, 0.0083%; no homozygotes.

Submissions (2):

Labcorp Genetics (formerly Invitae), Labcorp
Classification: Uncertain significance. Last evaluated: 2025-01-06. Review status: criteria provided, single submitter. Criteria: Invitae Variant Classification Sherloc (09022015). Collection method: clinical testing. Allele origin: germline.
Comment: This sequence change replaces leucine, which is neutral and non-polar, with methionine, which is neutral and non-polar, at codon 71 of the CREB3L1 protein (p.Leu71Met). This variant is present in population databases (rs561931720, gnomAD 0.003%). This variant has not been reported in the literature in individuals affected with CREB3L1-related conditions. ClinVar contains an entry for this variant (Variation ID: 1519917). An algorithm developed to predict the effect of missense changes on protein structure and function (PolyPhen-2) suggests that this variant is likely to be disruptive. In summary, the available evidence is currently insufficient to determine the role of this variant in disease. Therefore, it has been classified as a Variant of Uncertain Significance.

Ambry Genetics
Classification: Uncertain significance for Inborn genetic diseases. Last evaluated: 2024-01-03. Review status: criteria provided, single submitter. Criteria: Ambry Variant Classification Scheme 2023. Collection method: clinical testing. Allele origin: germline.

NM_052854.4(CREB3L1):c.211T>A (p.Leu71Met)

Gene: CREB3L1 (cAMP responsive element binding protein 3 like 1; plus strand). Cytogenetic location: 11p11.2.
Variant type: single nucleotide variant.
Coding change: c.211T>A on transcript NM_052854.4 (MANE Select); coding-DNA position 211, T replaced by A.
Protein change: p.Leu71Met; replaces leucine 71 with methionine.
Molecular consequence: missense variant.
Genome position (GRCh38, 1-based): chr11:46,300,043, T>A. VCF-style: chr11-46300043-T-A. GRCh37 (hg19) VCF-style: chr11-46321594-T-A.
Other names: c.211T>A (NM_052854.2); short protein forms L71M.
Identifiers: ClinVar variation 1519917 (VCV001519917.7), dbSNP rs561931720, ClinGen allele CA5961512.